The following is an entry in ClinVar:

NM_002098.6(GUCA1B):c.305A>T (p.Asp102Val)

Gene: GUCA1B (guanylate cyclase activator 1B; minus strand). Cytogenetic location: 6p21.1.
Variant type: single nucleotide variant.
Coding change: c.305A>T on transcript NM_002098.6 (MANE Select); coding-DNA position 305, A replaced by T.
Protein change: p.Asp102Val; replaces aspartic acid 102 with valine.
Molecular consequence: missense variant.
Genome position (GRCh38, 1-based): chr6:42,188,634, T>A on the plus strand (A>T on the coding strand, the complement: GUCA1B is on the minus strand). VCF-style: chr6-42188634-T-A. GRCh37 (hg19) VCF-style: chr6-42156372-T-A.
Other names: short protein forms D102V.
Identifiers: ClinVar variation 3367414 (VCV003367414.1).

ClinVar aggregate classification (germline): Uncertain significance (1 of 4 stars; one submission).

Submission:

GeneDx
Classification: Uncertain significance. Last evaluated: 2023-12-30. Review status: criteria provided, single submitter. Criteria: GeneDx Variant Classification Process June 2021. Collection method: clinical testing. Allele origin: germline. Affected: yes.
Comment: Not observed at significant frequency in large population cohorts (gnomAD); In silico analysis supports that this missense variant has a deleterious effect on protein structure/function; Has not been previously published as pathogenic or benign to our knowledge